The following is an entry in ClinVar:

NM_001378615.1(CC2D2A):c.1102A>G (p.Thr368Ala)

Genes: CC2D2A (coiled-coil and C2 domain containing 2A; plus strand), FBXL5 (F-box and leucine rich repeat protein 5; minus strand). Cytogenetic location: 4p15.32.
Variant type: single nucleotide variant.
Coding change: c.1102A>G on transcript NM_001378615.1 (MANE Select); coding-DNA position 1102, A replaced by G.
Protein change: p.Thr368Ala; replaces threonine 368 with alanine.
Molecular consequence: missense variant.
Genome position (GRCh38, 1-based): chr4:15,516,709, A>G. VCF-style: chr4-15516709-A-G. GRCh37 (hg19) VCF-style: chr4-15518332-A-G.
Other names: c.1102A>G, p.Thr368Ala (NM_001080522.2); c.955A>G, p.Thr319Ala (NM_001378617.1); short protein forms T368A, T319A.
Identifiers: ClinVar variation 1983645 (VCV001983645.4), dbSNP rs1050434384, ClinGen allele CA92513526.

ClinVar aggregate classification (germline): Uncertain significance. Review status: criteria provided, multiple submitters, no conflicts (2 of 4 stars). 3 submissions from 3 submitters: Uncertain significance (3). Last evaluated 2025-02-01.

Conditions:
Inborn genetic diseases. Identifiers: MedGen C0950123, MeSH D030342.
Joubert syndrome. Also called: Familial aplasia of the vermis; JOUBERT-BOLTSHAUSER SYNDROME. Identifiers: Orphanet 475, MedGen C5979921, MONDO:0018772.
Meckel-Gruber syndrome. Also called: Dysencephalia splachnocystica; DYSENCEPHALIA SPLANCHNOCYSTICA; GRUBER SYNDROME. Identifiers: Orphanet 564, MedGen C0265215, MONDO:0018921.

Allele frequency attached by ClinVar (database versions not stated): TOPMed 0.00002.

Submissions (3):

Ambry Genetics
Classification: Uncertain significance for Inborn genetic diseases. Last evaluated: 2025-02-01. Review status: criteria provided, single submitter. Criteria: Ambry Variant Classification Scheme 2023. Collection method: clinical testing. Allele origin: germline.

Labcorp Genetics (formerly Invitae), Labcorp
Classification: Uncertain significance for Joubert syndrome; Meckel-Gruber syndrome. Last evaluated: 2024-06-28. Review status: criteria provided, single submitter. Criteria: Invitae Variant Classification Sherloc (09022015). Collection method: clinical testing. Allele origin: germline.
Comment: This sequence change replaces threonine, which is neutral and polar, with alanine, which is neutral and non-polar, at codon 368 of the CC2D2A protein (p.Thr368Ala). This variant is not present in population databases (gnomAD no frequency). This variant has not been reported in the literature in individuals affected with CC2D2A-related conditions. ClinVar contains an entry for this variant (Variation ID: 1983645). Advanced modeling of protein sequence and biophysical properties (such as structural, functional, and spatial information, amino acid conservation, physicochemical variation, residue mobility, and thermodynamic stability) performed at Invitae indicates that this missense variant is not expected to disrupt CC2D2A protein function with a negative predictive value of 95%. In summary, the available evidence is currently insufficient to determine the role of this variant in disease. Therefore, it has been classified as a Variant of Uncertain Significance.

GeneDx
Classification: Uncertain significance. Last evaluated: 2023-05-22. Review status: criteria provided, single submitter. Criteria: GeneDx Variant Classification Process June 2021. Collection method: clinical testing. Allele origin: germline. Affected: yes.
Comment: Not observed at significant frequency in large population cohorts (gnomAD); In silico analysis supports that this missense variant does not alter protein structure/function; Has not been previously published as pathogenic or benign to our knowledge